The following is an entry in ClinVar:

NM_025074.7(FRAS1):c.4273G>A (p.Gly1425Arg)

Gene: FRAS1 (Fraser extracellular matrix complex subunit 1; plus strand). Cytogenetic location: 4q21.21.
Variant type: single nucleotide variant.
Coding change: c.4273G>A on transcript NM_025074.7 (MANE Select); coding-DNA position 4273, G replaced by A.
Protein change: p.Gly1425Arg; replaces glycine 1425 with arginine.
Molecular consequence: missense variant.
Genome position (GRCh38, 1-based): chr4:78,407,806, G>A. VCF-style: chr4-78407806-G-A. GRCh37 (hg19) VCF-style: chr4-79328960-G-A.
Other names: c.4273G>A, p.Gly1425Arg (NM_001166133.2); short protein forms G1425R.
Identifiers: ClinVar variation 429258 (VCV000429258.8), dbSNP rs373089932, ClinGen allele CA2977143.
Genomic context (GRCh38, chr4:78,407,806, plus strand): 5'-CCCACCAGCACCTTCACCCAGCAGGACATCAATGAAGGCATCGTATGGTACAGGCACTCA[G>A]GAGCCCCAGCCCAGAGCGACTCCTTCCGCTTCGAGGTACCCTCTGCTTCCTGACTTTTCT-3'
Protein context (NP_079350.5, residues 1415-1435): NEGIVWYRHS[Gly1425Arg]APAQSDSFRF

ClinVar aggregate classification (germline): Uncertain significance. Review status: criteria provided, multiple submitters, no conflicts (2 of 4 stars). 3 submissions from 3 submitters: Uncertain significance (3). Last evaluated 2024-10-25.

Conditions:
Inborn genetic diseases. Identifiers: MedGen C0950123, MeSH D030342.

Allele frequency attached by ClinVar (database versions not stated): TOPMed 0.00003; gnomAD exomes 0.00004; ExAC 0.00006; ESP Exome Variant Server 0.00008; gnomAD 0.00008 and 0.00009.
gnomAD v4.1: 68 of 1,611,870 alleles (0.0042%); highest among the groups gnomAD compares: Non-Finnish European, 0.0055%; no homozygotes.

Submissions (3):

Labcorp Genetics (formerly Invitae), Labcorp
Classification: Uncertain significance. Last evaluated: 2024-10-25. Review status: criteria provided, single submitter. Criteria: Invitae Variant Classification Sherloc (09022015). Collection method: clinical testing. Allele origin: germline.
Comment: This sequence change replaces glycine, which is neutral and non-polar, with arginine, which is basic and polar, at codon 1425 of the FRAS1 protein (p.Gly1425Arg). This variant is present in population databases (rs373089932, gnomAD 0.01%). This variant has not been reported in the literature in individuals affected with FRAS1-related conditions. ClinVar contains an entry for this variant (Variation ID: 429258). Invitae Evidence Modeling of protein sequence and biophysical properties (such as structural, functional, and spatial information, amino acid conservation, physicochemical variation, residue mobility, and thermodynamic stability) indicates that this missense variant is expected to disrupt FRAS1 protein function with a positive predictive value of 80%. In summary, the available evidence is currently insufficient to determine the role of this variant in disease. Therefore, it has been classified as a Variant of Uncertain Significance.

Ambry Genetics
Classification: Uncertain significance for Inborn genetic diseases. Last evaluated: 2023-06-26. Review status: criteria provided, single submitter. Criteria: Ambry Variant Classification Scheme 2023. Collection method: clinical testing. Allele origin: germline.

GeneDx
Classification: Uncertain significance. Last evaluated: 2017-05-02. Review status: criteria provided, single submitter. Criteria: GeneDx Variant Classification (06012015). Collection method: clinical testing. Allele origin: germline. Affected: yes.
Comment: The G1425R variant in the FRAS1 gene has not been reported previously as a pathogenic variant, nor as a benign variant, to our knowledge. The G1425R variant is observed in 7/66434 (0.011%) alleles from individuals of European background, in the ExAC dataset (Lek et al., 2016). The G1425R variant is a non-conservative amino acid substitution, which is likely to impact secondary protein structure as these residues differ in polarity, charge, size and/or other properties. This substitution occurs at a position that is conserved across species. In silico analysis predicts this variant is probably damaging to the protein structure/function. We interpret G1425R as a variant of uncertain significance.